The following is an entry in ClinVar:

ClinVar aggregate classification (germline): Pathogenic/Likely pathogenic. Review status: criteria provided, multiple submitters, no conflicts (2 of 4 stars). 4 submissions from 4 submitters: Pathogenic (3); Likely pathogenic (1). Last evaluated 2025-09-28.

Conditions:
Hereditary cancer-predisposing syndrome. Also called: Hereditary Cancer Syndrome; Neoplastic Syndromes, Hereditary; Hereditary neoplastic syndrome; Tumor predisposition. Identifiers: Orphanet 140162, MedGen C0027672, MeSH D009386, MONDO:0015356.
Lynch syndrome. Identifiers: Orphanet 144, MedGen C4552100, MONDO:0005835. Disease mechanism: loss of function.
Hereditary nonpolyposis colorectal neoplasms. Identifiers: MedGen C0009405, MeSH D003123.
Lynch syndrome 5 (LYNCH5). Also called: Hereditary non-polyposis colorectal cancer, type 5; Colorectal cancer, hereditary nonpolyposis, type 5. Identifiers: Orphanet 144, MedGen C1833477, MONDO:0013710, OMIM 614350. Disease mechanism: loss of function.

Submissions (4):

Labcorp Genetics (formerly Invitae), Labcorp
Classification: Pathogenic for Hereditary nonpolyposis colorectal neoplasms. Last evaluated: 2025-09-28. Review status: criteria provided, single submitter. Criteria: Invitae Variant Classification Sherloc (09022015). Collection method: clinical testing. Allele origin: germline.
Comment: This sequence change creates a premature translational stop signal (p.Arg379*) in the MSH6 gene. It is expected to result in an absent or disrupted protein product. Loss-of-function variants in MSH6 are known to be pathogenic (PMID: 18269114, 24362816). This variant is not present in population databases (gnomAD no frequency). This variant has not been reported in the literature in individuals affected with MSH6-related conditions. ClinVar contains an entry for this variant (Variation ID: 428442). For these reasons, this variant has been classified as Pathogenic.

Ambry Genetics
Classification: Pathogenic for Hereditary cancer-predisposing syndrome. Last evaluated: 2025-05-16. Review status: criteria provided, single submitter. Criteria: Ambry Variant Classification Scheme 2023. Collection method: clinical testing. Allele origin: germline.
Comment: The c.1128_1132delAAAGA pathogenic mutation, located in coding exon 4 of the MSH6 gene, results from a deletion of 5 nucleotides at nucleotide positions 1128 to 1132, causing a translational frameshift with a predicted alternate stop codon (p.R379*). This variant is considered to be rare based on population cohorts in the Genome Aggregation Database (gnomAD). In addition to the clinical data presented in the literature, this alteration is expected to result in loss of function by premature protein truncation or nonsense-mediated mRNA decay. As such, this alteration is interpreted as a disease-causing mutation.

Myriad Genetics, Inc.
Classification: Pathogenic for Lynch syndrome 5. Last evaluated: 2023-08-11. Review status: criteria provided, single submitter. Criteria: Myriad Autosomal Dominant, Autosomal Recessive and X-Linked Classification Criteria (2023). Collection method: clinical testing. Allele origin: unknown.
Comment: This variant is considered pathogenic. This variant creates a termination codon and is predicted to result in premature protein truncation.

Women's Health and Genetics/Laboratory Corporation of America, LabCorp
Classification: Likely pathogenic for Hereditary nonpolyposis colon cancer. Last evaluated: 2015-12-07. Review status: criteria provided, single submitter. Criteria: LabCorp Variant Classification Summary - May 2015. Collection method: clinical testing. Allele origin: germline.

Literature cited by the submitters: PubMed 18269114 (cited by Labcorp Genetics (formerly Invitae), Labcorp); PubMed 24362816 (cited by Labcorp Genetics (formerly Invitae), Labcorp); PubMed 17117178 (cited by Ambry Genetics); PubMed 17453009 (cited by Ambry Genetics and Women's Health and Genetics/Laboratory Corporation of America, LabCorp).

NM_000179.3(MSH6):c.1128_1132del (p.Arg378_Arg379insTer)

Gene: MSH6 (mutS homolog 6; plus strand). Cytogenetic location: 2p16.3.
Variant type: Deletion.
Coding change: c.1128_1132del on transcript NM_000179.3 (MANE Select); coding-DNA positions 1128 to 1132, 5 bases deleted (AAAGA; older notation c.1128_1132delAAAGA).
Protein change: p.Arg378_Arg379insTer.
Molecular consequence: frameshift variant.
Genome position (GRCh38, 1-based): chr2:47,799,111-47,799,115, AAAGA deleted; deleting any 5 consecutive bases within chr2:47,799,109-47,799,115 gives the same sequence; the c. name uses the placement nearest the transcript's 3' end. VCF-style (leftmost placement, unchanged base first): chr2-47799108-GGAAAA-G. GRCh37 (hg19) VCF-style: chr2-48026247-GGAAAA-G.
Other names: c.738_742del, p.Arg248_Arg249insTer (NM_001281492.2); c.222_226del, p.Arg76_Arg77insTer (NM_001281493.2, NM_001281494.2); c.1128_1132delAAAGA (NM_000179.2).
Identifiers: ClinVar variation 428442 (VCV000428442.13), dbSNP rs1114167801, ClinGen allele CA645369233.